The following is an entry in ClinVar:

NM_004082.5(DCTN1):c.2628+5G>T

Gene: DCTN1 (dynactin subunit 1; minus strand). Cytogenetic location: 2p13.1.
Variant type: single nucleotide variant.
Coding change: c.2628+5G>T on transcript NM_004082.5 (MANE Select); 5 bases into the intron after coding-DNA position 2628, G replaced by T.
Molecular consequence: intron variant. On other transcripts: non-coding transcript variant (1).
Genome position (GRCh38, 1-based): chr2:74,366,454, C>A on the plus strand (G>T on the coding strand, the complement: DCTN1 is on the minus strand). VCF-style: chr2-74366454-C-A. GRCh37 (hg19) VCF-style: chr2-74593581-C-A.
Other names: c.2517+5G>T (NM_001190836.2); c.2559+5G>T (NM_001378992.1); c.2577+5G>T (NM_001378991.1); c.2568+5G>T (NM_001135040.3); c.2607+5G>T (NM_001190837.2); c.2226+5G>T (NM_001135041.3, NM_023019.4).
Identifiers: ClinVar variation 2017461 (VCV002017461.4), dbSNP rs2529113830, ClinGen allele CA2580068180.

ClinVar aggregate classification (germline): Uncertain significance (1 of 4 stars; one submission).

Conditions:
Amyotrophic lateral sclerosis type 1 (ALS1). Also called: AMYOTROPHIC LATERAL SCLEROSIS 1, FAMILIAL. Identifiers: Orphanet 803, MedGen C1862939, MONDO:0007103, OMIM 105400.
Perry syndrome. Also called: PARKINSONISM WITH ALVEOLAR HYPOVENTILATION AND MENTAL DEPRESSION. Identifiers: Orphanet 178509, MedGen C1868594, MONDO:0008201, OMIM 168605.
Neuronopathy, distal hereditary motor, type 7B. Also called: Distal Hereditary Motor Neuronopathy Type 7B (dHMN7B); HMN VIIB; LOWER MOTOR NEURON DISEASE, DYNACTIN TYPE; NEURONOPATHY, DISTAL HEREDITARY MOTOR, AUTOSOMAL DOMINANT 14; NEURONOPATHY, DISTAL HEREDITARY MOTOR, HARDING TYPE VIIB; NEUROPATHY, DISTAL HEREDITARY MOTOR, HARDING TYPE VIIB. Identifiers: Orphanet 139589, MedGen C1843315, MONDO:0011879, OMIM 607641.

Submission:

Labcorp Genetics (formerly Invitae), Labcorp
Classification: Uncertain significance for Amyotrophic lateral sclerosis type 1; Neuronopathy, distal hereditary motor, type 7B; Perry syndrome. Last evaluated: 2023-09-25. Review status: criteria provided, single submitter. Criteria: Invitae Variant Classification Sherloc (09022015). Collection method: clinical testing. Allele origin: germline.
Comment: This sequence change falls in intron 22 of the DCTN1 gene. It does not directly change the encoded amino acid sequence of the DCTN1 protein. It affects a nucleotide within the consensus splice site. In summary, the available evidence is currently insufficient to determine the role of this variant in disease. Therefore, it has been classified as a Variant of Uncertain Significance. Variants that disrupt the consensus splice site are a relatively common cause of aberrant splicing (PMID: 17576681, 9536098). Algorithms developed to predict the effect of sequence changes on RNA splicing suggest that this variant is not likely to affect RNA splicing. ClinVar contains an entry for this variant (Variation ID: 2017461). This variant has not been reported in the literature in individuals affected with DCTN1-related conditions. This variant is not present in population databases (gnomAD no frequency).

Literature cited by the submitters: PubMed 17576681; PubMed 9536098.